The following is an entry in ClinVar:

ClinVar aggregate classification (germline): Uncertain significance (1 of 4 stars; one submission).

Submission:

Ambry Genetics
Classification: Uncertain significance. Last evaluated: 2025-03-31. Review status: criteria provided, single submitter. Criteria: Ambry Variant Classification Scheme 2023. Collection method: clinical testing. Allele origin: germline.
Comment: The p.A1723V variant (also known as c.5168C>T), located in coding exon 22 of the WNK2 gene, results from a C to T substitution at nucleotide position 5168. The alanine at codon 1723 is replaced by valine, an amino acid with similar properties. This amino acid position is conserved. In addition, this alteration is predicted to be tolerated by in silico analysis. Based on the available evidence, the clinical significance of this variant remains unclear.

NM_006648.4(WNK2):c.5168C>T (p.Ala1723Val)

Gene: WNK2 (WNK lysine deficient protein kinase 2; plus strand). Cytogenetic location: 9q22.31.
Variant type: single nucleotide variant.
Coding change: c.5168C>T on transcript NM_006648.4 (MANE Select); coding-DNA position 5168, C replaced by T.
Protein change: p.Ala1723Val; replaces alanine 1723 with valine.
Molecular consequence: missense variant.
Genome position (GRCh38, 1-based): chr9:93,292,633, C>T. VCF-style: chr9-93292633-C-T. GRCh37 (hg19) VCF-style: chr9-96054915-C-T.
Other names: c.5279C>T, p.Ala1760Val (NM_001282394.3); short protein forms A1760V, A1723V.
Identifiers: ClinVar variation 3981779 (VCV003981779.1).